The following is an entry in ClinVar:

NM_000179.3(MSH6):c.515T>C (p.Ile172Thr)

Gene: MSH6 (mutS homolog 6; plus strand). Cytogenetic location: 2p16.3.
Variant type: single nucleotide variant.
Coding change: c.515T>C on transcript NM_000179.3 (MANE Select); coding-DNA position 515, T replaced by C.
Protein change: p.Ile172Thr; replaces isoleucine 172 with threonine.
Molecular consequence: missense variant. On other transcripts: 5 prime UTR variant (1), intron variant (2).
Genome position (GRCh38, 1-based): chr2:47,795,951, T>C. VCF-style: chr2-47795951-T-C. GRCh37 (hg19) VCF-style: chr2-48023090-T-C.
Other names: p.I172T:ATA>ACA; c.-388T>C (NM_001281494.2); c.-279-2660T>C (NM_001281493.2); c.238-2660T>C (NM_001281492.2); short protein forms I172T.
Identifiers: ClinVar variation 127599 (VCV000127599.9), dbSNP rs587779942, ClinGen allele CA015767.
Genomic context (GRCh38, chr2:47,795,951, plus strand): 5'-TAGGTTCAAAATCAAAGGAAGCCCAGAAGGGAGGTCATTTTTACAGTGCAAAGCCTGAAA[T>C]ACTGAGAGCAATGCAACGTGCAGATGAAGCCTTAAATAAAGACAAGATTAAGAGGCTTGA-3'
Protein context (NP_000170.1, residues 162-182): GGHFYSAKPE[Ile172Thr]LRAMQRADEA

ClinVar aggregate classification (germline): Uncertain significance. Review status: criteria provided, multiple submitters, no conflicts (2 of 4 stars). 3 submissions from 3 submitters: Uncertain significance (3). Last evaluated 2024-08-12.

Conditions:
Hereditary nonpolyposis colorectal neoplasms. Identifiers: MedGen C0009405, MeSH D003123.
Hereditary cancer-predisposing syndrome. Also called: Hereditary Cancer Syndrome; Hereditary neoplastic syndrome; Tumor predisposition; Neoplastic Syndromes, Hereditary. Identifiers: Orphanet 140162, MedGen C0027672, MeSH D009386, MONDO:0015356.

Submissions (3):

Ambry Genetics
Classification: Uncertain significance for Hereditary cancer-predisposing syndrome. Last evaluated: 2024-08-12. Review status: criteria provided, single submitter. Criteria: Ambry Variant Classification Scheme 2023. Collection method: clinical testing. Allele origin: germline.
Comment: The p.I172T variant (also known as c.515T>C), located in coding exon 3 of the MSH6 gene, results from a T to C substitution at nucleotide position 515. The isoleucine at codon 172 is replaced by threonine, an amino acid with similar properties. This amino acid position is conserved. In addition, this alteration is predicted to be deleterious by in silico analysis. Based on the available evidence, the clinical significance of this variant remains unclear.

Labcorp Genetics (formerly Invitae), Labcorp
Classification: Uncertain significance for Hereditary nonpolyposis colorectal neoplasms. Last evaluated: 2022-08-22. Review status: criteria provided, single submitter. Criteria: Invitae Variant Classification Sherloc (09022015). Collection method: clinical testing. Allele origin: germline.
Comment: This sequence change replaces isoleucine, which is neutral and non-polar, with threonine, which is neutral and polar, at codon 172 of the MSH6 protein (p.Ile172Thr). In summary, the available evidence is currently insufficient to determine the role of this variant in disease. Therefore, it has been classified as a Variant of Uncertain Significance. Advanced modeling of protein sequence and biophysical properties (such as structural, functional, and spatial information, amino acid conservation, physicochemical variation, residue mobility, and thermodynamic stability) performed at Invitae indicates that this missense variant is not expected to disrupt MSH6 protein function. ClinVar contains an entry for this variant (Variation ID: 127599). This variant has not been reported in the literature in individuals affected with MSH6-related conditions. This variant is not present in population databases (gnomAD no frequency).

GeneDx
Classification: Uncertain significance. Last evaluated: 2014-02-25. Review status: criteria provided, single submitter. Criteria: GeneDx Variant Classification (06012015). Collection method: clinical testing. Allele origin: germline. Affected: yes.
Comment: This variant is denoted MSH6 c.515T>C at the cDNA level, p.Ile172Thr (I172T) at the protein level, and results in the change of an Isoleucine to a Threonine (ATA>ACA). This variant has not, to our knowledge, been published in the literature as pathogenic or benign. MSH6 Ile172Thr was not observed in approximately 6,500 individuals of European and African American ancestry in the NHLBI Exome Sequencing Project, indicating it is not a common benign variant in these populations. Since Isoleucine and Threonine differ in polarity, charge, size or other properties, this is considered a non-conservative amino acid substitution and is likely to affect protein structure. MSH6 Ile172Thr occurs at a position that is well conserved across species and is not located in a known functional domain. In silico analyses predict that this variant is probably damaging to protein structure and function. Based on currently available information, it is unclear whether MSH6 Ile172Thr is pathogenic or benign. We consider it to be a variant of uncertain significance.